The following is an entry in ClinVar:

NM_000020.3(ACVRL1):c.1169T>C (p.Phe390Ser)

Gene: ACVRL1 (activin A receptor like type 1; plus strand). Cytogenetic location: 12q13.13.
Variant type: single nucleotide variant.
Coding change: c.1169T>C on transcript NM_000020.3 (MANE Select); coding-DNA position 1169, T replaced by C.
Protein change: p.Phe390Ser; replaces phenylalanine 390 with serine.
Molecular consequence: missense variant. On other transcripts: intron variant (1).
Genome position (GRCh38, 1-based): chr12:51,916,156, T>C. VCF-style: chr12-51916156-T-C. GRCh37 (hg19) VCF-style: chr12-52309940-T-C.
Other names: c.1169T>C, p.Phe390Ser (NM_001077401.2, NM_001406487.1, NM_001406488.1 and 1 more transcripts); c.857T>C, p.Phe286Ser (NM_001406490.1, NM_001406491.1, NM_001406492.1 and 1 more transcripts); c.605T>C, p.Phe202Ser (NM_001406495.1); c.736+656T>C (NM_001406494.1); short protein forms F202S, F286S, F390S.
Identifiers: ClinVar variation 3635225 (VCV003635225.2).

ClinVar aggregate classification (germline): Uncertain significance (1 of 4 stars; one submission).

Conditions:
Telangiectasia, hereditary hemorrhagic, type 2 (HHT2). Also called: ACVRL1-Related Hereditary Hemorrhagic Telangiectasia; Telangiectasia, hereditary hemorrhagic, type II. Identifiers: Orphanet 774, MedGen C1838163, MONDO:0010880, OMIM 600376. Disease mechanism: loss of function.

Submission:

Labcorp Genetics (formerly Invitae), Labcorp
Classification: Uncertain significance for Telangiectasia, hereditary hemorrhagic, type 2. Last evaluated: 2024-06-28. Review status: criteria provided, single submitter. Criteria: Invitae Variant Classification Sherloc (09022015). Collection method: clinical testing. Allele origin: germline.
Comment: This sequence change replaces phenylalanine, which is neutral and non-polar, with serine, which is neutral and polar, at codon 390 of the ACVRL1 protein (p.Phe390Ser). This variant is not present in population databases (gnomAD no frequency). This variant has not been reported in the literature in individuals affected with ACVRL1-related conditions. Advanced modeling of protein sequence and biophysical properties (such as structural, functional, and spatial information, amino acid conservation, physicochemical variation, residue mobility, and thermodynamic stability) performed at Invitae indicates that this missense variant is expected to disrupt ACVRL1 protein function with a positive predictive value of 95%. In summary, the available evidence is currently insufficient to determine the role of this variant in disease. Therefore, it has been classified as a Variant of Uncertain Significance.